The following is an entry in ClinVar:

NM_001330078.2(NRXN1):c.2933G>A (p.Ser978Asn)

Gene: NRXN1 (neurexin 1; minus strand). Cytogenetic location: 2p16.3.
Variant type: single nucleotide variant.
Coding change: c.2933G>A on transcript NM_001330078.2 (MANE Select); coding-DNA position 2933, G replaced by A.
Protein change: p.Ser978Asn; replaces serine 978 with asparagine.
Molecular consequence: missense variant.
Genome position (GRCh38, 1-based): chr2:50,496,042, C>T on the plus strand (G>A on the coding strand, the complement: NRXN1 is on the minus strand). VCF-style: chr2-50496042-C-T. GRCh37 (hg19) VCF-style: chr2-50723180-C-T.
Other names: c.2822G>A, p.Ser941Asn (NM_001330096.2, NM_001330087.2); c.2933G>A, p.Ser978Asn (NM_004801.6, NM_001330086.2); c.3053G>A, p.Ser1018Asn (NM_001135659.3); c.2909G>A, p.Ser970Asn (NM_001330077.2, NM_001330082.2); c.2867G>A, p.Ser956Asn (NM_001330083.2, NM_001330084.2); c.2906G>A, p.Ser969Asn (NM_001330085.2); c.2852G>A, p.Ser951Asn (NM_001330088.2); c.2930G>A, p.Ser977Asn (NM_001330093.2); and 2 more; short protein forms S941N, S1018N, S970N, S977N, S969N, S974N, S978N, S951N.
Identifiers: ClinVar variation 4750664 (VCV004750664.1).
Genomic context (GRCh38, chr2:50,496,042, plus strand): 5'-CTGGTGTCCCTTGATATCATCACGTTGTGCCACTGATTGTCATTGAGAGGTTTATTTGAG[C>T]TTCCTTTGATGAGGTTAGCACCATTTCCCAAATCAAACACGTAATGTAAGTACCTGGGAA-3'
Protein context (NP_001317007.1, residues 968-988): LGNGANLIKG[Ser978Asn]SNKPLNDNQW

ClinVar aggregate classification (germline): Uncertain significance (1 of 4 stars; one submission).

Conditions:
Pitt-Hopkins-like syndrome 2 (PTHSL2). Identifiers: Orphanet 221150, Orphanet 600663, MedGen C3280479, MONDO:0013690, OMIM 614325.

gnomAD v4.1: 1 of 1,612,568 alleles (0.000062%); highest among the groups gnomAD compares: Non-Finnish European, 0.000085%; no homozygotes.

Submission:

Labcorp Genetics (formerly Invitae), Labcorp
Classification: Uncertain significance for Pitt-Hopkins-like syndrome 2. Last evaluated: 2025-11-14. Review status: criteria provided, single submitter. Criteria: Invitae Variant Classification Sherloc (09022015). Collection method: clinical testing. Allele origin: germline.
Comment: This sequence change replaces serine, which is neutral and polar, with asparagine, which is neutral and polar, at codon 1018 of the NRXN1 protein (p.Ser1018Asn). This variant is not present in population databases (gnomAD no frequency). This variant has not been reported in the literature in individuals affected with NRXN1-related conditions. An algorithm developed to predict the effect of missense changes on protein structure and function (PolyPhen-2) suggests that this variant is likely to be tolerated. In summary, the available evidence is currently insufficient to determine the role of this variant in disease. Therefore, it has been classified as a Variant of Uncertain Significance.